The following is an entry in ClinVar:

ClinVar aggregate classification (germline): Benign/Likely benign. Review status: criteria provided, multiple submitters, no conflicts (2 of 4 stars). 8 submissions from 8 submitters: Benign (6); Likely benign (1). 1 of the submissions does not count toward it. Last evaluated 2026-02-03.

Conditions:
SOS2-related disorder. Also called: SOS2-related condition.
Cardiovascular phenotype. Identifiers: MedGen CN230736.
Noonan syndrome 9 (NS9). Identifiers: Orphanet 648, MedGen C4225282, MONDO:0014691, OMIM 616559.
Noonan syndrome and Noonan-related syndrome. Identifiers: Orphanet 98733, MedGen C5681679, MONDO:0020297.

Allele frequency attached by ClinVar (database versions not stated): TOPMed 0.00002; gnomAD exomes 0.00029 and 0.00061; ExAC 0.00078; gnomAD 0.00018; 1000 Genomes Project 0.00140; 1000 Genomes Project 30x 0.00109.
gnomAD v4.1: 458 of 1,611,868 alleles (0.028%); highest among the groups gnomAD compares: South Asian, 0.48%; 7 homozygotes.

Submissions (8):

Labcorp Genetics (formerly Invitae), Labcorp
Classification: Benign for Noonan syndrome 9. Last evaluated: 2026-02-03. Review status: criteria provided, single submitter. Criteria: Invitae Variant Classification Sherloc (09022015). Collection method: clinical testing. Allele origin: germline.

Mayo Clinic Laboratories, Mayo Clinic
Classification: Benign. Last evaluated: 2025-04-07. Review status: criteria provided, single submitter. Criteria: ACMG Guidelines, 2015. Collection method: clinical testing. Allele origin: germline. Observed: 1 variant allele.
Comment: BA1, BS2

Ambry Genetics
Classification: Likely benign for Cardiovascular phenotype. Last evaluated: 2023-09-08. Review status: criteria provided, single submitter. Criteria: Ambry Variant Classification Scheme 2023. Collection method: clinical testing. Allele origin: germline.

Women's Health and Genetics/Laboratory Corporation of America, LabCorp
Classification: Benign. Last evaluated: 2021-06-21. Review status: criteria provided, single submitter. Criteria: LabCorp Variant Classification Summary - May 2015. Collection method: clinical testing. Allele origin: germline.
Comment: Variant summary: SOS2 c.3602A>G (p.His1201Arg) results in a non-conservative amino acid change in the encoded protein sequence. Three of five in-silico tools predict a benign effect of the variant on protein function. The variant allele was found at a frequency of 0.00061 in 250860 control chromosomes, predominantly at a frequency of 0.005 within the South Asian subpopulation in the gnomAD database, including 4 homozygotes. The observed variant frequency within South Asian control individuals in the gnomAD database is approximately 2000 fold of the estimated maximal expected allele frequency for a pathogenic variant in SOS2 causing Noonan Syndrome phenotype (2.5e-06), strongly suggesting that the variant is a benign polymorphism found primarily in populations of South Asian origin. To our knowledge, no occurrence of c.3602A>G in individuals affected with Noonan Syndrome and no experimental evidence demonstrating its impact on protein function have been reported. One clinical diagnostic laboratory has submitted clinical-significance assessments for this variant to ClinVar after 2014 without evidence for independent evaluation. One laboratory classified the variant as benign. Based on the evidence outlined above, the variant was classified as benign.

Genome Diagnostics Laboratory, The Hospital for Sick Children
Classification: Benign for Noonan syndrome and Noonan-related syndrome. Last evaluated: 2020-12-08. Review status: criteria provided, single submitter. Criteria: ACMG Guidelines, 2015. Collection method: clinical testing. Allele origin: germline.

Breakthrough Genomics
Classification: Benign. Review status: criteria provided, single submitter. Criteria: ACMG Guidelines, 2015. Collection method: not provided. Allele origin: germline. Inheritance: Autosomal dominant inheritance. Affected: yes.

Genome-Nilou Lab
Classification: Benign for Noonan syndrome 9. Review status: criteria provided, single submitter. Criteria: ACMG Guidelines, 2015. Collection method: clinical testing. Allele origin: germline.

PreventionGenetics, part of Exact Sciences
Classification: Benign for SOS2-related condition. Last evaluated: 2021-04-15. Review status: no assertion criteria provided. Collection method: clinical testing. Allele origin: germline. Not counted in ClinVar's aggregate classification.
Comment: This variant is classified as benign based on ACMG/AMP sequence variant interpretation guidelines (Richards et al. 2015 PMID: 25741868, with internal and published modifications).

NM_006939.4(SOS2):c.3602A>G (p.His1201Arg)

Gene: SOS2 (SOS Ras/Rho guanine nucleotide exchange factor 2; minus strand). Cytogenetic location: 14q21.3.
Variant type: single nucleotide variant.
Coding change: c.3602A>G on transcript NM_006939.4 (MANE Select); coding-DNA position 3602, A replaced by G.
Protein change: p.His1201Arg; replaces histidine 1201 with arginine.
Molecular consequence: missense variant.
Genome position (GRCh38, 1-based): chr14:50,118,741, T>C on the plus strand (A>G on the coding strand, the complement: SOS2 is on the minus strand). VCF-style: chr14-50118741-T-C. GRCh37 (hg19) VCF-style: chr14-50585459-T-C.
Other names: p.His1201Arg; c.3602A>G (NM_006939.2); short protein forms H1201R.
Identifiers: ClinVar variation 1166294 (VCV001166294.19), dbSNP rs555945363, ClinGen allele CA7176743.